The following is an entry in ClinVar:

ClinVar aggregate classification (germline): Uncertain significance (1 of 4 stars; one submission).

Submission:

GeneDx
Classification: Uncertain significance. Last evaluated: 2024-01-19. Review status: criteria provided, single submitter. Criteria: GeneDx Variant Classification Process June 2021. Collection method: clinical testing. Allele origin: germline. Affected: yes.
Comment: In silico analysis supports that this missense variant has a deleterious effect on protein structure/function; Has not been previously published as pathogenic or benign to our knowledge

NM_004667.6(HERC2):c.5075T>C (p.Met1692Thr)

Gene: HERC2 (HECT and RLD domain containing E3 ubiquitin protein ligase 2; minus strand). Cytogenetic location: 15q13.1.
Variant type: single nucleotide variant.
Coding change: c.5075T>C on transcript NM_004667.6 (MANE Select); coding-DNA position 5075, T replaced by C.
Protein change: p.Met1692Thr; replaces methionine 1692 with threonine.
Molecular consequence: missense variant.
Genome position (GRCh38, 1-based): chr15:28,229,505, A>G on the plus strand (T>C on the coding strand, the complement: HERC2 is on the minus strand). VCF-style: chr15-28229505-A-G. GRCh37 (hg19) VCF-style: chr15-28474651-A-G.
Other names: short protein forms M1692T.
Identifiers: ClinVar variation 3367666 (VCV003367666.1).
Genomic context (GRCh38, chr15:28,229,505, plus strand): 5'-ATGCTAACGTTTTACCCTATATCGATTCCCTCAGGAATAAGTCTTTGCCATCCACAAAAC[A>G]TCGCATACTGCACAGATGGAAGTAAGAAATTCTTGCTCGCCAGTTTTAAAATTGTATCTA-3'
Protein context (NP_004658.3, residues 1682-1702): NFLLPSVQYA[Met1692Thr]FCGWQRLIPE